The following is an entry in ClinVar:

ClinVar aggregate classification (germline): Likely benign (1 of 4 stars; one submission).

Submission:

Women's Health and Genetics/Laboratory Corporation of America, LabCorp
Classification: Likely benign. Last evaluated: 2026-04-02. Review status: criteria provided, single submitter. Criteria: LabCorp Variant Classification Summary - May 2015. Collection method: clinical testing. Allele origin: germline.
Comment: Variant summary: LRBA c.1924+16C>T alters a nucleotide located at a position not widely known to affect splicing. Consensus agreement among computation tools predict no significant impact on normal splicing. However, these predictions have yet to be confirmed by functional studies. The variant allele was found at a frequency of 4.1e-06 in 243850 control chromosomes. The available data on variant occurrences in the general population are insufficient to allow any conclusion about variant significance. To our knowledge, no occurrence of c.1924+16C>T in individuals affected with LRBA-related conditions and no experimental evidence demonstrating its impact on protein function have been reported. No submitters have cited clinical-significance assessments for this variant to ClinVar. Based on the evidence outlined above, the variant was classified as likely benign.

NM_001364905.1(LRBA):c.1924+16C>T

Gene: LRBA (LPS responsive beige-like anchor protein; minus strand). Cytogenetic location: 4q31.3.
Variant type: single nucleotide variant.
Coding change: c.1924+16C>T on transcript NM_001364905.1 (MANE Select); 16 bases into the intron after coding-DNA position 1924, C replaced by T.
Molecular consequence: intron variant.
Genome position (GRCh38, 1-based): chr4:150,900,033, G>A on the plus strand (C>T on the coding strand, the complement: LRBA is on the minus strand). VCF-style: chr4-150900033-G-A. GRCh37 (hg19) VCF-style: chr4-151821185-G-A.
Other names: c.1924+16C>T (NM_001367550.1, NM_006726.5, NM_001199282.3 and 2 more transcripts).
Identifiers: ClinVar variation 4848954 (VCV004848954.1).